The following is an entry in ClinVar:

NM_000238.4(KCNH2):c.3373C>G (p.Pro1125Ala)

Gene: KCNH2 (potassium voltage-gated channel subfamily H member 2; minus strand). Cytogenetic location: 7q36.1.
Variant type: single nucleotide variant.
Coding change: c.3373C>G on transcript NM_000238.4 (MANE Select); coding-DNA position 3373, C replaced by G.
Protein change: p.Pro1125Ala; replaces proline 1125 with alanine.
Molecular consequence: missense variant.
Genome position (GRCh38, 1-based): chr7:150,945,472, G>C on the plus strand (C>G on the coding strand, the complement: KCNH2 is on the minus strand). VCF-style: chr7-150945472-G-C. GRCh37 (hg19) VCF-style: chr7-150642560-G-C.
Other names: c.2353C>G, p.Pro785Ala (NM_172057.3); c.3373C>G (NM_000238.3); short protein forms P1125A, P785A.
Identifiers: ClinVar variation 1425966 (VCV001425966.9), dbSNP rs1159352279, ClinGen allele CA369851547.
Genomic context (GRCh38, chr7:150,945,472, plus strand): 5'-GGGCCCCCAGCTGGCCCGGTAGGGAGAGGCGTCGTGTGGGGCCTTCTTGGGGAAGCTCTG[G>C]GGCCCCCGGGGGCAGCTCCTCACACGCCATGAACTGGGAAACCTGCAATACACACAGAGC-3'
Protein context (NP_000229.1, residues 1115-1135): MACEELPPGA[Pro1125Ala]ELPQEGPTRR

ClinVar aggregate classification (germline): Conflicting classifications of pathogenicity. Review status: criteria provided, conflicting classifications (1 of 4 stars). 4 submissions from 4 submitters: Uncertain significance (3); Likely benign (1). Last evaluated 2025-03-31.

Conditions:
Short QT syndrome type 1. Identifiers: Orphanet 51083, MedGen C1865020, MONDO:0012312, OMIM 609620.
Long QT syndrome 2 (LQT2). Identifiers: Orphanet 101016, Orphanet 768, MedGen C3150943, MONDO:0013367, OMIM 613688.
Long QT syndrome (LQTS). Identifiers: MedGen C0023976, MeSH D008133, MONDO:0002442. Disease mechanism: loss of function. Inheritance: Various modes of inheritance.

Allele frequency attached by ClinVar (database versions not stated): gnomAD exomes below 0.00001 and 0.00002; TOPMed below 0.00001; gnomAD 0.00001.
gnomAD v4.1: 5 of 1,559,842 alleles (0.00032%); highest among the groups gnomAD compares: East Asian, 0.0096%; no homozygotes.

Submissions (4):

Labcorp Genetics (formerly Invitae), Labcorp
Classification: Uncertain significance for Long QT syndrome. Last evaluated: 2025-03-31. Review status: criteria provided, single submitter. Criteria: Invitae Variant Classification Sherloc (09022015). Collection method: clinical testing. Allele origin: germline.
Comment: This sequence change replaces proline, which is neutral and non-polar, with alanine, which is neutral and non-polar, at codon 1125 of the KCNH2 protein (p.Pro1125Ala). This variant is present in population databases (no rsID available, gnomAD 0.02%). This missense change has been observed in individual(s) with arrhythmia (PMID: 31696929). ClinVar contains an entry for this variant (Variation ID: 1425966). An algorithm developed to predict the effect of missense changes on protein structure and function (PolyPhen-2) suggests that this variant is likely to be tolerated. In summary, the available evidence is currently insufficient to determine the role of this variant in disease. Therefore, it has been classified as a Variant of Uncertain Significance.

Blueprint Genetics
Classification: Likely benign. Last evaluated: 2023-09-19. Review status: criteria provided, single submitter. Criteria: ACMG Guidelines, 2015. Collection method: clinical testing. Allele origin: germline.

All of Us Research Program, National Institutes of Health
Classification: Uncertain significance for Long QT syndrome. Last evaluated: 2023-03-07. Review status: criteria provided, single submitter. Criteria: ACMG Guidelines, 2015. Collection method: clinical testing. Allele origin: germline. Inheritance: Autosomal dominant inheritance. Observed: 1 variant allele, 1 heterozygote.
Comment: This missense variant replaces proline with alanine at codon 1125 of the KCNH2 protein. Computational prediction suggests that this variant may not impact protein structure and function (internally defined REVEL score threshold <= 0.5, PMID: 27666373). To our knowledge, functional studies have not been reported for this variant. This variant has been reported in three individuals suspected of having epilepsy and in two individuals without inherited arrhythmia or other cardiovascular diseases (PMID: 31696929). This variant has been identified in 3/162084 chromosomes in the general population by the Genome Aggregation Database (gnomAD). The available evidence is insufficient to determine the role of this variant in disease conclusively. Therefore, this variant is classified as a Variant of Uncertain Significance.

This study involves interpretation of variants in research participants for the purpose of population health screening. Participant phenotype was not available at the time of variant classification. Additional details can be found in publication PMID: 35346344, PMCID: PMC8962531

New York Genome Center
Classification: Uncertain significance for Long QT syndrome 2; Short QT syndrome type 1. Last evaluated: 2022-07-22. Review status: criteria provided, single submitter. Criteria: NYGC Assertion Criteria 2020. Collection method: clinical testing. Allele origin: germline. Observed: 1 heterozygote.
Comment: The c.3373C>G variant has not been reported in literature in individuals affected with a cardiac disorder. It has been deposited in ClinVar [ClinVar ID: 1425966] as a Variant of Uncertain Significance. The c.3373C>G variant is observed in 4 alleles (no homozygotes) in population databases (gnomAD v2.1.1 and v3.1.2, TOPMedFreeze 8), suggesting it is not a common benign variant in the populations represented in those databases, which might include individuals with cardiac phenotypes. The c.3373C>G variant is located in exon 15 of this 15-exon gene, and predicted to replace a moderately conserved proline amino acid with alanine at position 1125 in the last “disordered” region of the encoded protein [UniProtKB ID: Q12809]. In silico predictions are not in favor of damaging effect for the p.(Pro1125Ala) variant (REVEL = 0.402). Based on available evidence this c.3373C>G p.(Pro1125Ala) variant identified in KCNH2 is classified as a Variant of Uncertain Significance.

Literature cited by the submitters: PubMed 31696929 (cited by Labcorp Genetics (formerly Invitae), Labcorp and All of Us Research Program, National Institutes of Health).